The following is an entry in ClinVar:

NM_001165963.4(SCN1A):c.4017_4018dup (p.Leu1340fs)

Genes: SCN1A (sodium voltage-gated channel alpha subunit 1; minus strand), LOC102724058 (uncharacterized LOC102724058; plus strand). Cytogenetic location: 2q24.3.
Variant type: Duplication.
Coding change: c.4017_4018dup on transcript NM_001165963.4 (MANE Select); coding-DNA positions 4017 to 4018, 2 bases duplicated (CC; older notation c.4017_4018dupCC).
Protein change: p.Leu1340fs; shifts the reading frame from leucine 1340.
Molecular consequence: frameshift variant. On other transcripts: non-coding transcript variant (1).
Genome position (GRCh38, 1-based): chr2:166,002,738-166,002,739, GG duplicated on the plus strand (CC on the coding strand, the reverse complement: SCN1A is on the minus strand); duplicating any 2 consecutive bases within chr2:166,002,738-166,002,740 gives the same sequence; the c. name uses the placement nearest the transcript's 3' end. VCF-style (leftmost placement, unchanged base first): chr2-166002737-A-AGG. GRCh37 (hg19) VCF-style: chr2-166859247-A-AGG.
Other names: c.3933_3934dup, p.Leu1312fs (NM_001165964.3, NM_001353957.2, NM_001353958.2); c.4017_4018dup, p.Leu1340fs (NM_001202435.3, NM_001353948.2); c.3984_3985dup, p.Leu1329fs (NM_001353949.2, NM_001353950.2, NM_001353951.2 and 2 more transcripts); c.3981_3982dup, p.Leu1328fs (NM_001353954.2, NM_001353955.2); c.3930_3931dup, p.Leu1311fs (NM_001353960.2); c.1575_1576dup, p.Leu526fs (NM_001353961.2); short protein forms L526fs, L1311fs, L1328fs, L1340fs, L1312fs, L1329fs.
Identifiers: ClinVar variation 1447788 (VCV001447788.8), dbSNP rs2105510576, ClinGen allele CA2573133051.
Genomic context (GRCh38, chr2:166,002,737, plus strand): 5'-ATTAGCCAGAATATAAGACAAACCAGAAGCACATTCATGATGGATGGAATTGCTCCTAAA[A>AGG]GGGCATTCACAACCACCTAATACACAAATGGAAAAAAAGAAAAGTCAGAATTCTTATCTG-3'

ClinVar aggregate classification (germline): Pathogenic/Likely pathogenic. Review status: criteria provided, multiple submitters, no conflicts (2 of 4 stars). 2 submissions from 2 submitters: Pathogenic (1); Likely pathogenic (1). Last evaluated 2022-02-03.

Conditions:
SCN1A-related disorder. Also called: SCN1A-related disorders; SCN1A-related conditions; SCN1A-related condition.
Early-infantile DEE. Also called: Early infantile epileptic encephalopathy; Early infantile epileptic encephalopathy with suppression bursts; Ohtahara syndrome. Identifiers: Orphanet 1934, MedGen C0393706, MONDO:0800491.

Submissions (2):

Blueprint Genetics
Classification: Likely pathogenic for SCN1A-related disorders. Last evaluated: 2022-02-03. Review status: criteria provided, single submitter. Criteria: ACMG Guidelines, 2015. Collection method: clinical testing. Allele origin: germline. Affected: yes. Observed: 1 variant allele.

Labcorp Genetics (formerly Invitae), Labcorp
Classification: Pathogenic for Early-infantile DEE. Last evaluated: 2021-06-25. Review status: criteria provided, single submitter. Criteria: Invitae Variant Classification Sherloc (09022015). Collection method: clinical testing. Allele origin: germline.
Comment: For these reasons, this variant has been classified as Pathogenic. This variant has not been reported in the literature in individuals affected with SCN1A-related conditions. This variant is not present in population databases (ExAC no frequency). This sequence change creates a premature translational stop signal (p.Leu1340Profs*3) in the SCN1A gene. It is expected to result in an absent or disrupted protein product. Loss-of-function variants in SCN1A are known to be pathogenic (PMID: 17347258, 18930999).

Literature cited by the submitters: PubMed 17347258 (cited by Labcorp Genetics (formerly Invitae), Labcorp); PubMed 18930999 (cited by Labcorp Genetics (formerly Invitae), Labcorp).